The following is an entry in ClinVar:

ClinVar aggregate classification (germline): Conflicting classifications of pathogenicity. Review status: criteria provided, conflicting classifications (1 of 4 stars). 2 submissions from 2 submitters: Uncertain significance (1); Likely benign (1). Last evaluated 2025-03-28.

Conditions:
Inborn genetic diseases. Identifiers: MedGen C0950123, MeSH D030342.

Allele frequency attached by ClinVar (database versions not stated): gnomAD exomes below 0.00001; gnomAD 0.00001; TOPMed 0.00001; ExAC 0.00002; 1000 Genomes Project 30x 0.00016; 1000 Genomes Project 0.00020.
gnomAD v4.1: 7 of 1,613,678 alleles (0.00043%); highest among the groups gnomAD compares: East Asian, 0.0089%; no homozygotes.

Submissions (2):

Women's Health and Genetics/Laboratory Corporation of America, LabCorp
Classification: Uncertain significance. Last evaluated: 2025-03-28. Review status: criteria provided, single submitter. Criteria: LabCorp Variant Classification Summary - May 2015. Collection method: clinical testing. Allele origin: germline.
Comment: Variant summary: AP1G1 c.616C>G (p.Pro206Ala) results in a non-conservative amino acid change in the encoded protein sequence. Three of five in-silico tools predict a benign effect of the variant on protein function. The variant allele was found at a frequency of 1.6e-05 in 251224 control chromosomes (gnomAD). The available data on variant occurrences in the general population are insufficient to allow any conclusion about variant significance. To our knowledge, no occurrence of c.616C>G in individuals affected with Usmani-Riazuddin Syndrome, Autosomal Recessive and no experimental evidence demonstrating its impact on protein function have been reported. ClinVar contains an entry for this variant (Variation ID: 3127438). Based on the evidence outlined above, the variant was classified as uncertain significance.

Ambry Genetics
Classification: Likely benign for Inborn genetic diseases. Last evaluated: 2023-09-22. Review status: criteria provided, single submitter. Criteria: Ambry Variant Classification Scheme 2023. Collection method: clinical testing. Allele origin: germline.

NM_001128.6(AP1G1):c.616C>G (p.Pro206Ala)

Gene: AP1G1 (adaptor related protein complex 1 subunit gamma 1; minus strand). Cytogenetic location: 16q22.2.
Variant type: single nucleotide variant.
Coding change: c.616C>G on transcript NM_001128.6 (MANE Select); coding-DNA position 616, C replaced by G.
Protein change: p.Pro206Ala; replaces proline 206 with alanine.
Molecular consequence: missense variant.
Genome position (GRCh38, 1-based): chr16:71,769,649, G>C on the plus strand (C>G on the coding strand, the complement: AP1G1 is on the minus strand). VCF-style: chr16-71769649-G-C. GRCh37 (hg19) VCF-style: chr16-71803552-G-C.
Other names: c.616C>G, p.Pro206Ala (NM_001030007.2); short protein forms P206A.
Identifiers: ClinVar variation 3127438 (VCV003127438.2), dbSNP rs575140567, ClinGen allele CA8156462.